The following is an entry in ClinVar:

ClinVar aggregate classification (germline): Pathogenic/Likely pathogenic. Review status: criteria provided, multiple submitters, no conflicts (2 of 4 stars). 2 submissions from 2 submitters: Pathogenic (1); Likely pathogenic (1). Last evaluated 2020-11-05.

Submissions (2):

Quest Diagnostics Nichols Institute San Juan Capistrano
Classification: Likely pathogenic. Last evaluated: 2020-11-05. Review status: criteria provided, single submitter. Criteria: Quest Diagnostics criteria. Collection method: clinical testing. Allele origin: unknown.
Comment: To the best of our knowledge, the variant has not been reported in the published literature. However, this variant alters the translational reading frame of the HBB mRNA and is predicted to cause the premature termination of HBB protein synthesis. As a result, it prevents the inclusion of important functional domains in any synthesized HBB protein. Therefore, we predict that this variant is likely pathogenic.

Labcorp Genetics (formerly Invitae), Labcorp
Classification: Pathogenic. Last evaluated: 2020-03-18. Review status: criteria provided, single submitter. Criteria: Invitae Variant Classification Sherloc (09022015). Collection method: clinical testing. Allele origin: germline.
Comment: For these reasons, this variant has been classified as Pathogenic. This variant disrupts the C-terminus of the HBB protein. Other variant(s) that disrupt this region (p.Asn109Glnfs*32) have been determined to be pathogenic (PMID: 1728311, 1897518, 3683554, 9401495). This suggests that variants that disrupt this region of the protein are likely to be causative of disease. This variant has not been reported in the literature in individuals with HBB-related conditions. ClinVar contains an entry for this variant (Variation ID: 619856). This variant is not present in population databases (ExAC no frequency). This sequence change results in a premature translational stop signal in the HBB gene (p.Leu76Trpfs*17). While this is not anticipated to result in nonsense mediated decay, it is expected to disrupt the last 72 amino acids of the HBB protein.

Literature cited by the submitters: PubMed 1728311 (cited by Labcorp Genetics (formerly Invitae), Labcorp); PubMed 1897518 (cited by Labcorp Genetics (formerly Invitae), Labcorp); PubMed 3683554 (cited by Labcorp Genetics (formerly Invitae), Labcorp); PubMed 9401495 (cited by Labcorp Genetics (formerly Invitae), Labcorp).

NM_000518.5(HBB):c.221_224dup (p.Leu76fs)

Genes: HBB (hemoglobin subunit beta; minus strand), LOC106099062 (HBB recombination region; plus strand), LOC107133510 (origin of replication at HBB; plus strand). Cytogenetic location: 11p15.4.
Variant type: Duplication.
Coding change: c.221_224dup on transcript NM_000518.5 (MANE Select); coding-DNA positions 221 to 224, 4 bases duplicated (ATGG; older notation c.221_224dupATGG).
Protein change: p.Leu76fs; shifts the reading frame from leucine 76.
Molecular consequence: frameshift variant.
Genome position (GRCh38, 1-based): chr11:5,226,668-5,226,671, CCAT duplicated on the plus strand (ATGG on the coding strand, the reverse complement: HBB is on the minus strand); duplicating any 4 consecutive bases within chr11:5,226,668-5,226,672 gives the same sequence; the c. name uses the placement nearest the transcript's 3' end. VCF-style (leftmost placement, unchanged base first): chr11-5226667-G-GCCAT. GRCh37 (hg19) VCF-style: chr11-5247897-G-GCCAT.
Other names: short protein forms L76fs.
Identifiers: ClinVar variation 619856 (VCV000619856.10), dbSNP rs1564875128, ClinGen allele CA913190236.